The following is an entry in ClinVar:

ClinVar aggregate classification (germline): Uncertain significance (1 of 4 stars; one submission).

Conditions:
Glycine encephalopathy. Also called: Nonketotic hyperglycinemia; Non-ketotic hyperglycinemia. Identifiers: Orphanet 407, MedGen C0751748, MONDO:0011612, HP:0008288.

Submission:

Labcorp Genetics (formerly Invitae), Labcorp
Classification: Uncertain significance for Glycine encephalopathy. Last evaluated: 2024-11-18. Review status: criteria provided, single submitter. Criteria: Invitae Variant Classification Sherloc (09022015). Collection method: clinical testing. Allele origin: germline.
Comment: This sequence change replaces arginine, which is basic and polar, with lysine, which is basic and polar, at codon 35 of the AMT protein (p.Arg35Lys). This variant is not present in population databases (gnomAD no frequency). This variant has not been reported in the literature in individuals affected with AMT-related conditions. Invitae Evidence Modeling of protein sequence and biophysical properties (such as structural, functional, and spatial information, amino acid conservation, physicochemical variation, residue mobility, and thermodynamic stability) indicates that this missense variant is not expected to disrupt AMT protein function with a negative predictive value of 95%. In summary, the available evidence is currently insufficient to determine the role of this variant in disease. Therefore, it has been classified as a Variant of Uncertain Significance.

NM_000481.4(AMT):c.104G>A (p.Arg35Lys)

Gene: AMT (aminomethyltransferase; minus strand). Cytogenetic location: 3p21.31.
Variant type: single nucleotide variant.
Coding change: c.104G>A on transcript NM_000481.4 (MANE Select); coding-DNA position 104, G replaced by A.
Protein change: p.Arg35Lys; replaces arginine 35 with lysine.
Molecular consequence: missense variant. On other transcripts: intron variant (1).
Genome position (GRCh38, 1-based): chr3:49,422,258, C>T on the plus strand (G>A on the coding strand, the complement: AMT is on the minus strand). VCF-style: chr3-49422258-C-T. GRCh37 (hg19) VCF-style: chr3-49459691-C-T.
Other names: c.104G>A, p.Arg35Lys (NM_001164710.2, NM_001164712.2); c.90+103G>A (NM_001164711.2); short protein forms R35K.
Identifiers: ClinVar variation 3721209 (VCV003721209.2).